The following is an entry in ClinVar:

ClinVar aggregate classification (germline): Uncertain significance (1 of 4 stars; one submission).

Submission:

GeneDx
Classification: Uncertain significance. Last evaluated: 2024-04-24. Review status: criteria provided, single submitter. Criteria: GeneDx Variant Classification Process June 2021. Collection method: clinical testing. Allele origin: germline. Affected: yes.
Comment: Not observed at significant frequency in large population cohorts (gnomAD); In silico analysis supports that this missense variant has a deleterious effect on protein structure/function; Has not been previously published as pathogenic or benign to our knowledge

NM_001394062.1(MACF1):c.18995C>T (p.Ala6332Val)

Gene: MACF1 (microtubule actin crosslinking factor 1; plus strand). Cytogenetic location: 1p34.3.
Variant type: single nucleotide variant.
Coding change: c.18995C>T on transcript NM_001394062.1 (MANE Select); coding-DNA position 18995, C replaced by T.
Protein change: p.Ala6332Val; replaces alanine 6332 with valine.
Molecular consequence: missense variant.
Genome position (GRCh38, 1-based): chr1:39,442,458, C>T. VCF-style: chr1-39442458-C-T. GRCh37 (hg19) VCF-style: chr1-39908130-C-T.
Other names: c.7073C>T, p.Ala2358Val (NM_001397473.1); c.12818C>T, p.Ala4273Val (NM_012090.5); short protein forms A2358V, A4273V, A6332V.
Identifiers: ClinVar variation 3372755 (VCV003372755.1).